The following is an entry in ClinVar:

NM_000321.3(RB1):c.1177A>T (p.Ser393Cys)

Gene: RB1 (RB transcriptional corepressor 1; plus strand). Cytogenetic location: 13q14.2.
Variant type: single nucleotide variant.
Coding change: c.1177A>T on transcript NM_000321.3 (MANE Select); coding-DNA position 1177, A replaced by T.
Protein change: p.Ser393Cys; replaces serine 393 with cysteine.
Molecular consequence: missense variant.
Genome position (GRCh38, 1-based): chr13:48,373,454, A>T. VCF-style: chr13-48373454-A-T. GRCh37 (hg19) VCF-style: chr13-48947590-A-T.
Other names: c.1177A>T, p.Ser393Cys (NM_001407165.1, NM_001407166.1); short protein forms S393C.
Identifiers: ClinVar variation 5027995 (VCV005027995.1).

ClinVar aggregate classification (germline): Uncertain significance (1 of 4 stars; one submission).

Conditions:
Hereditary cancer-predisposing syndrome. Also called: Neoplastic Syndromes, Hereditary; Tumor predisposition; Hereditary neoplastic syndrome; Hereditary Cancer Syndrome. Identifiers: Orphanet 140162, MedGen C0027672, MeSH D009386, MONDO:0015356.

Submission:

Ambry Genetics
Classification: Uncertain significance for Hereditary cancer-predisposing syndrome. Last evaluated: 2026-09-11. Review status: criteria provided, single submitter. Criteria: Ambry Variant Classification Scheme 2023. Collection method: clinical testing. Allele origin: germline.
Comment: The p.S393C variant (also known as c.1177A>T), located in coding exon 12 of the RB1 gene, results from an A to T substitution at nucleotide position 1177. The serine at codon 393 is replaced by cysteine, an amino acid with dissimilar properties. This amino acid position is conserved. In addition, this alteration is predicted to be tolerated by in silico analysis. Based on the available evidence, the clinical significance of this variant remains unclear.